The following is an entry in ClinVar:

NM_014363.6(SACS):c.4719del (p.Met1573fs)

Gene: SACS (sacsin molecular chaperone; minus strand). Cytogenetic location: 13q12.12.
Variant type: Deletion.
Coding change: c.4719del on transcript NM_014363.6 (MANE Select); coding-DNA position 4719, one base deleted (G; older notation c.4719delG).
Protein change: p.Met1573fs; shifts the reading frame from methionine 1573.
Molecular consequence: frameshift variant.
Genome position (GRCh38, 1-based): chr13:23,339,157, C deleted on the plus strand (G on the coding strand, the reverse complement: SACS is on the minus strand). VCF-style (leftmost placement, unchanged base first): chr13-23339156-TC-T. GRCh37 (hg19) VCF-style: chr13-23913295-TC-T.
Other names: c.4278del, p.Met1426fs (NM_001278055.2); c.4746del, p.Met1582fs (NM_001437336.1); short protein forms M1426fs, M1573fs, M1582fs.
Identifiers: ClinVar variation 4815697 (VCV004815697.1).

ClinVar aggregate classification (germline): Likely pathogenic (1 of 4 stars; one submission).

Conditions:
Charlevoix-Saguenay spastic ataxia (SACS). Also called: AUTOSOMAL RECESSIVE SPASTIC ATAXIA OF CHARLEVOIX-SAGUENAY; Spastic ataxia of Charlevoix-Saguenay; SPASTIC ATAXIA 6, AUTOSOMAL RECESSIVE. Identifiers: Orphanet 98, MedGen C1849140, MONDO:0010041, OMIM 270550.

Submission:

Natera, Inc.
Classification: Likely pathogenic for Charlevoix-Saguenay type spastic ataxia. Last evaluated: 2025-10-02. Review status: criteria provided, single submitter. Criteria: Natera Variant Classification Schema (03/2026). Collection method: clinical testing. Allele origin: germline.
Comment: The c.4719del variant in SACS is a frameshift variant predicted to shift the reading frame beginning at codon 1573 and leads to a stop codon 6 codons downstream. This variant is expected to result in nonsense mediated decay, truncation, or a dysfunctional protein product. This variant is rare in the general population with a frequency below the threshold expected for the associated phenotype(s). Given the available evidence, this variant is classified as Likely Pathogenic.